The following is an entry in ClinVar:

NM_025009.5(CEP135):c.916G>A (p.Val306Ile)

Gene: CEP135 (centrosomal protein 135; plus strand). Cytogenetic location: 4q12.
Variant type: single nucleotide variant.
Coding change: c.916G>A on transcript NM_025009.5 (MANE Select); coding-DNA position 916, G replaced by A.
Protein change: p.Val306Ile; replaces valine 306 with isoleucine.
Molecular consequence: missense variant.
Genome position (GRCh38, 1-based): chr4:55,965,731, G>A. VCF-style: chr4-55965731-G-A. GRCh37 (hg19) VCF-style: chr4-56831897-G-A.
Other names: short protein forms V306I.
Identifiers: ClinVar variation 4692146 (VCV004692146.1).

ClinVar aggregate classification (germline): Uncertain significance (1 of 4 stars; one submission).

gnomAD v4.1: 13 of 1,613,632 alleles (0.00081%); highest among the groups gnomAD compares: South Asian, 0.0033%; no homozygotes.

Submission:

Labcorp Genetics (formerly Invitae), Labcorp
Classification: Uncertain significance. Last evaluated: 2025-11-23. Review status: criteria provided, single submitter. Criteria: Invitae Variant Classification Sherloc (09022015). Collection method: clinical testing. Allele origin: germline.
Comment: This sequence change replaces valine, which is neutral and non-polar, with isoleucine, which is neutral and non-polar, at codon 306 of the CEP135 protein (p.Val306Ile). This variant is present in population databases (rs746009395, gnomAD 0.01%). This variant has not been reported in the literature in individuals affected with CEP135-related conditions. An algorithm developed to predict the effect of missense changes on protein structure and function (PolyPhen-2) suggests that this variant is likely to be tolerated. In summary, the available evidence is currently insufficient to determine the role of this variant in disease. Therefore, it has been classified as a Variant of Uncertain Significance.